The following is an entry in ClinVar:

NM_004407.4(DMP1):c.1240T>G (p.Phe414Val)

Genes: DMP1 (dentin matrix acidic phosphoprotein 1; plus strand), DMP1-AS1 (DMP1 and DSPP antisense RNA 1; minus strand). Cytogenetic location: 4q22.1.
Variant type: single nucleotide variant.
Coding change: c.1240T>G on transcript NM_004407.4 (MANE Select); coding-DNA position 1240, T replaced by G.
Protein change: p.Phe414Val; replaces phenylalanine 414 with valine.
Molecular consequence: missense variant.
Genome position (GRCh38, 1-based): chr4:87,663,018, T>G. VCF-style: chr4-87663018-T-G. GRCh37 (hg19) VCF-style: chr4-88584170-T-G.
Other names: c.1192T>G, p.Phe398Val (NM_001079911.3); short protein forms F398V, F414V.
Identifiers: ClinVar variation 2074926 (VCV002074926.4), dbSNP rs1728967941, ClinGen allele CA357701132.
Genomic context (GRCh38, chr4:87,663,018, plus strand): 5'-CACTCAAAAAGTGAATCCAGAGAGGAGCAAGCAGACAGCGAATCCAGTGAGAGCCTCAAC[T>G]TCTCAGAGGAAAGCCCGGAGTCCCCTGAGGATGAGAACAGCTCCAGCCAGGAGGGCCTCC-3'
Protein context (NP_004398.1, residues 404-424): ADSESSESLN[Phe414Val]SEESPESPED

ClinVar aggregate classification (germline): Uncertain significance (1 of 4 stars; one submission).

Allele frequency attached by ClinVar (database versions not stated): gnomAD exomes below 0.00001.
gnomAD v4.1: 2 of 1,614,138 alleles (0.00012%); highest among the groups gnomAD compares: African/African-American, 0.0027%; no homozygotes.

Submission:

Labcorp Genetics (formerly Invitae), Labcorp
Classification: Uncertain significance. Last evaluated: 2022-03-04. Review status: criteria provided, single submitter. Criteria: Invitae Variant Classification Sherloc (09022015). Collection method: clinical testing. Allele origin: germline.
Comment: In summary, the available evidence is currently insufficient to determine the role of this variant in disease. Therefore, it has been classified as a Variant of Uncertain Significance. Algorithms developed to predict the effect of missense changes on protein structure and function are either unavailable or do not agree on the potential impact of this missense change (SIFT: "Tolerated"; PolyPhen-2: "Not Available"; Align-GVGD: "Class C0"). This variant has not been reported in the literature in individuals affected with DMP1-related conditions. This variant is not present in population databases (gnomAD no frequency). This sequence change replaces phenylalanine, which is neutral and non-polar, with valine, which is neutral and non-polar, at codon 414 of the DMP1 protein (p.Phe414Val).